The following is an entry in ClinVar:

ClinVar aggregate classification (germline): Likely benign. Review status: criteria provided, single submitter (1 of 4 stars). 2 submissions from 2 submitters: Likely benign (1). 1 of the submissions does not count toward it. Last evaluated 2022-11-03.

Conditions:
RAI1-related disorder. Also called: RAI1-related condition.

gnomAD v4.1: 2 of 1,613,926 alleles (0.00012%); highest among the groups gnomAD compares: Admixed American, 0.0033%; no homozygotes.

Submissions (2):

Labcorp Genetics (formerly Invitae), Labcorp
Classification: Likely benign. Last evaluated: 2022-11-03. Review status: criteria provided, single submitter. Criteria: Invitae Variant Classification Sherloc (09022015). Collection method: clinical testing. Allele origin: germline.

PreventionGenetics, part of Exact Sciences
Classification: Likely benign for RAI1-related condition. Last evaluated: 2024-03-27. Review status: no assertion criteria provided. Collection method: clinical testing. Allele origin: germline. Not counted in ClinVar's aggregate classification.
Comment: This variant is classified as likely benign based on ACMG/AMP sequence variant interpretation guidelines (Richards et al. 2015 PMID: 25741868, with internal and published modifications).

NM_030665.4(RAI1):c.1110T>C (p.Phe370=)

Gene: RAI1 (retinoic acid induced 1; plus strand). Cytogenetic location: 17p11.2.
Variant type: single nucleotide variant.
Coding change: c.1110T>C on transcript NM_030665.4 (MANE Select); coding-DNA position 1110, T replaced by C.
Protein change: p.Phe370=; no amino-acid change (phenylalanine 370 retained).
Molecular consequence: synonymous variant.
Genome position (GRCh38, 1-based): chr17:17,794,058, T>C. VCF-style: chr17-17794058-T-C. GRCh37 (hg19) VCF-style: chr17-17697372-T-C.
Other names: c.1110T>C (NM_030665.3).
Identifiers: ClinVar variation 1956964 (VCV001956964.6), dbSNP rs754037858, ClinGen allele CA8418270.
Genomic context (GRCh38, chr17:17,794,058, plus strand): 5'-GGGCCGCTCACCTTCCTACAGTTCCACACCGTCGCCGCTGATGCCAAACCTGGAGAACTT[T>C]CCCTACAGCCAGCAGCCGCTCAGCACCGGGGCCTTCCCCGCAGGGATCACTGACCACAGC-3'
Protein context (NP_109590.3, residues 360-380): PSPLMPNLEN[Phe370=]PYSQQPLSTG